The following is an entry in ClinVar:

NM_001904.4(CTNNB1):c.496-2A>G

Genes: CTNNB1 (catenin beta 1; plus strand), LOC126806658 (BRD4-independent group 4 enhancer GRCh37_chr3:41265899-41267098; plus strand). Cytogenetic location: 3p22.1.
Variant type: single nucleotide variant.
Coding change: c.496-2A>G on transcript NM_001904.4 (MANE Select); the canonical splice acceptor site of the intron before coding-DNA position 496, A replaced by G.
Molecular consequence: splice acceptor variant.
Genome position (GRCh38, 1-based): chr3:41,225,332, A>G. VCF-style: chr3-41225332-A-G. GRCh37 (hg19) VCF-style: chr3-41266823-A-G.
Other names: c.475-2A>G (NM_001330729.2); c.496-2A>G (NM_001098209.2, NM_001098210.2).
Identifiers: ClinVar variation 2503979 (VCV002503979.1), dbSNP rs2470784557, ClinGen allele CA352229431.

ClinVar aggregate classification (germline): Likely pathogenic (1 of 4 stars; one submission).

Conditions:
Severe intellectual disability-progressive spastic diplegia syndrome (NEDSDV). Also called: NEURODEVELOPMENTAL DISORDER WITH SPASTIC DIPLEGIA AND VISUAL DEFECTS; CTNNB1 Neurodevelopmental Disorder. Identifiers: Orphanet 404473, MedGen C3554449, MONDO:0014035, OMIM 615075.

Submission:

Women's Health and Genetics/Laboratory Corporation of America, LabCorp
Classification: Likely pathogenic for Severe intellectual disability-progressive spastic diplegia syndrome. Last evaluated: 2023-04-06. Review status: criteria provided, single submitter. Criteria: LabCorp Variant Classification Summary - May 2015. Collection method: clinical testing. Allele origin: germline.
Comment: Variant summary: CTNNB1 c.496-2A>G is located in a canonical splice-site and is predicted to affect mRNA splicing resulting in a significantly altered protein due to either exon skipping, shortening, or inclusion of intronic material. Several computational tools predict a significant impact on normal splicing: Four predict the variant abolishes a canonical 3' acceptor site. However, these predictions have yet to be confirmed by functional studies. The variant was absent in 250030 control chromosomes (gnomAD). To our knowledge, no occurrence of c.496-2A>G in individuals affected with Severe Intellectual Disability-Progressive Spastic Diplegia Syndrome and no experimental evidence demonstrating its impact on protein function have been reported. No clinical diagnostic laboratories have submitted clinical-significance assessments for this variant to ClinVar after 2014. Based on the evidence outlined above, the variant was classified as likely pathogenic.